The following is an entry in ClinVar:

ClinVar aggregate classification (germline): Pathogenic (1 of 4 stars; one submission).

Conditions:
Coffin-Siris syndrome 1 (CSS1). Also called: ARID1B-Related Coffin-Siris Syndrome; Mental retardation, autosomal dominant 12. Identifiers: Orphanet 1465, MedGen C3281201, MONDO:0007617, OMIM 135900. Disease mechanism: gain of function.

Submission:

Greenwood Genetic Center Diagnostic Laboratories, Greenwood Genetic Center
Classification: Pathogenic for Coffin-Siris syndrome 1. Last evaluated: 2024-07-25. Review status: criteria provided, single submitter. Criteria: ACMG Guidelines, 2015. Collection method: clinical testing. Allele origin: germline. Affected: yes.
Comment: PVS1, PM2, PM6

NM_001374828.1(ARID1B):c.4234_4237del (p.Pro1412fs)

Gene: ARID1B (AT-rich interaction domain 1B; plus strand). Cytogenetic location: 6q25.3.
Variant type: Deletion.
Coding change: c.4234_4237del on transcript NM_001374828.1 (MANE Select); coding-DNA positions 4234 to 4237, 4 bases deleted (CCTG; older notation c.4234_4237delCCTG).
Protein change: p.Pro1412fs; shifts the reading frame from proline 1412.
Molecular consequence: frameshift variant.
Genome position (GRCh38, 1-based): chr6:157,196,167-157,196,170, CCTG deleted; deleting any 4 consecutive bases within chr6:157,196,165-157,196,170 gives the same sequence; the c. name uses the placement nearest the transcript's 3' end. VCF-style (leftmost placement, unchanged base first): chr6-157196164-GTGCC-G. GRCh37 (hg19) VCF-style: chr6-157517298-GTGCC-G.
Other names: c.1735_1738del, p.Pro579fs (NM_001363725.2); c.4114_4117del, p.Pro1372fs (NM_001371656.1, NM_001374820.1); c.4075_4078del, p.Pro1359fs (NM_017519.3); short protein forms P1359fs, P1372fs, P1412fs, P579fs.
Identifiers: ClinVar variation 3765866 (VCV003765866.1).